The following is an entry in ClinVar:

ClinVar aggregate classification (germline): Uncertain significance. Review status: criteria provided, multiple submitters, no conflicts (2 of 4 stars). 2 submissions from 2 submitters: Uncertain significance (2). Last evaluated 2025-01-01.

Conditions:
Nemaline myopathy 8 (NEM8). Also called: Nemaline myopathy 8, autosomal recessive. Identifiers: Orphanet 171430, MedGen C3809209, MONDO:0014138, OMIM 615348.
Inborn genetic diseases. Identifiers: MedGen C0950123, MeSH D030342.

Allele frequency attached by ClinVar (database versions not stated): gnomAD exomes below 0.00001.

Submissions (2):

Ambry Genetics
Classification: Uncertain significance for Inborn genetic diseases. Last evaluated: 2025-01-01. Review status: criteria provided, single submitter. Criteria: Ambry Variant Classification Scheme 2023. Collection method: clinical testing. Allele origin: germline.

Labcorp Genetics (formerly Invitae), Labcorp
Classification: Uncertain significance for Nemaline myopathy 8. Last evaluated: 2021-11-24. Review status: criteria provided, single submitter. Criteria: Invitae Variant Classification Sherloc (09022015). Collection method: clinical testing. Allele origin: germline.
Comment: In summary, the available evidence is currently insufficient to determine the role of this variant in disease. Therefore, it has been classified as a Variant of Uncertain Significance. Algorithms developed to predict the effect of missense changes on protein structure and function are either unavailable or do not agree on the potential impact of this missense change (SIFT: "Deleterious"; PolyPhen-2: "Possibly Damaging"; Align-GVGD: "Class C0"). This variant has not been reported in the literature in individuals affected with KLHL40-related conditions. This variant is present in population databases (no rsID available, gnomAD 0.003%). This sequence change replaces valine, which is neutral and non-polar, with methionine, which is neutral and non-polar, at codon 244 of the KLHL40 protein (p.Val244Met).

NM_152393.4(KLHL40):c.730G>A (p.Val244Met)

Gene: KLHL40 (kelch like family member 40; plus strand). Cytogenetic location: 3p22.1.
Variant type: single nucleotide variant.
Coding change: c.730G>A on transcript NM_152393.4 (MANE Select); coding-DNA position 730, G replaced by A.
Protein change: p.Val244Met; replaces valine 244 with methionine.
Molecular consequence: missense variant.
Genome position (GRCh38, 1-based): chr3:42,686,348, G>A. VCF-style: chr3-42686348-G-A. GRCh37 (hg19) VCF-style: chr3-42727840-G-A.
Other names: c.730G>A (NM_152393.2); short protein forms V244M.
Identifiers: ClinVar variation 1409707 (VCV001409707.7), dbSNP rs1310855261, ClinGen allele CA352290648.